The following is an entry in ClinVar:

NM_001367624.2(ZNF469):c.2788G>C (p.Gly930Arg)

Gene: ZNF469 (zinc finger protein 469; plus strand). Cytogenetic location: 16q24.2.
Variant type: single nucleotide variant.
Coding change: c.2788G>C on transcript NM_001367624.2 (MANE Select); coding-DNA position 2788, G replaced by C.
Protein change: p.Gly930Arg; replaces glycine 930 with arginine.
Molecular consequence: missense variant.
Genome position (GRCh38, 1-based): chr16:88,430,258, G>C. VCF-style: chr16-88430258-G-C. GRCh37 (hg19) VCF-style: chr16-88496666-G-C.
Other names: NM_001127464.1:c.2788G>C; short protein forms G930R.
Identifiers: ClinVar variation 1796003 (VCV001796003.2), dbSNP rs1906047214, ClinGen allele CA397075492.
Genomic context (GRCh38, chr16:88,430,258, plus strand): 5'-ACCCCCCGCCCTGGGGACAGGGGCTGCCCAGCCCGAGGCAGGCCCAAAACGCGTTCCCTG[G>C]GTCTGGCCCCCACCGAGGCGGATGCGCCCAGCCAGGGCAGGCAGCAGAGGAGGGGGAAGC-3'
Protein context (NP_001354553.1, residues 920-940): ARGRPKTRSL[Gly930Arg]LAPTEADAPS

ClinVar aggregate classification (germline): Uncertain significance (1 of 4 stars; one submission).

Conditions:
Cardiovascular phenotype. Identifiers: MedGen CN230736.

Allele frequency attached by ClinVar (database versions not stated): TOPMed below 0.00001.

Submission:

Ambry Genetics
Classification: Uncertain significance for Cardiovascular phenotype. Last evaluated: 2022-09-26. Review status: criteria provided, single submitter. Criteria: Ambry Variant Classification Scheme 2023. Collection method: clinical testing. Allele origin: germline.
Comment: The p.G930R variant (also known as c.2788G>C), located in coding exon 1 of the ZNF469 gene, results from a G to C substitution at nucleotide position 2788. The glycine at codon 930 is replaced by arginine, an amino acid with dissimilar properties. This amino acid position is conserved. In addition, this alteration is predicted to be tolerated by in silico analysis. Since supporting evidence is limited at this time, the clinical significance of this alteration remains unclear.